The following is an entry in ClinVar:

NM_001042492.3(NF1):c.1062+1G>C

Gene: NF1 (neurofibromin 1; plus strand). Cytogenetic location: 17q11.2.
Variant type: single nucleotide variant.
Coding change: c.1062+1G>C on transcript NM_001042492.3 (MANE Select); the canonical splice donor site of the intron after coding-DNA position 1062, G replaced by C.
Molecular consequence: splice donor variant.
Genome position (GRCh38, 1-based): chr17:31,200,596, G>C. VCF-style: chr17-31200596-G-C. GRCh37 (hg19) VCF-style: chr17-29527614-G-C.
Other names: c.1062+1G>C (NM_000267.4, NM_001128147.3).
Identifiers: ClinVar variation 4528340 (VCV004528340.2).

ClinVar aggregate classification (germline): Pathogenic. Review status: criteria provided, multiple submitters, no conflicts (2 of 4 stars). 2 submissions from 2 submitters: Pathogenic (2). Last evaluated 2025-11-13.

Conditions:
Neurofibromatosis, type 1 (NF1). Also called: Neurofibromatosis, type I; Peripheral type neurofibromatosis; VON RECKLINGHAUSEN DISEASE; NEUROFIBROMATOSIS, TYPE I, SOMATIC. Identifiers: Orphanet 636, MedGen C0027831, MONDO:0018975, OMIM 162200. Disease mechanism: loss of function.

Submissions (2):

Clinical Genetics Laboratory, Skane University Hospital Lund
Classification: Pathogenic for Neurofibromatosis, type 1. Last evaluated: 2025-11-13. Review status: criteria provided, single submitter. Criteria: ACMG Guidelines, 2015. Collection method: clinical testing. Allele origin: germline. Affected: yes.
Comment: ACMG criteria used: PVS1_Strong, PS1, PM2 and PP4.

Labcorp Genetics (formerly Invitae), Labcorp
Classification: Pathogenic for Neurofibromatosis, type 1. Last evaluated: 2025-04-28. Review status: criteria provided, single submitter. Criteria: Invitae Variant Classification Sherloc (09022015). Collection method: clinical testing. Allele origin: germline.
Comment: This sequence change affects a donor splice site in intron 9 of the NF1 gene. It is expected to disrupt RNA splicing. Variants that disrupt the donor or acceptor splice site typically lead to a loss of protein function (PMID: 16199547), and loss-of-function variants in NF1 are known to be pathogenic (PMID: 10712197, 23913538). This variant is not present in population databases (gnomAD no frequency). Disruption of this splice site has been observed in individual(s) with neurofibromatosis type 1 (PMID: 9298829, 17426081). Algorithms developed to predict the effect of sequence changes on RNA splicing suggest that this variant may disrupt the consensus splice site. For these reasons, this variant has been classified as Pathogenic.

Literature cited by the submitters: PubMed 16199547 (cited by Labcorp Genetics (formerly Invitae), Labcorp); PubMed 10712197 (cited by Labcorp Genetics (formerly Invitae), Labcorp); PubMed 23913538 (cited by Labcorp Genetics (formerly Invitae), Labcorp); PubMed 9298829 (cited by Labcorp Genetics (formerly Invitae), Labcorp); PubMed 17426081 (cited by Labcorp Genetics (formerly Invitae), Labcorp).